The following is an entry in ClinVar:

NM_001103.4(ACTN2):c.1393G>A (p.Ala465Thr)

Gene: ACTN2 (actinin alpha 2; plus strand). Cytogenetic location: 1q43.
Variant type: single nucleotide variant.
Coding change: c.1393G>A on transcript NM_001103.4 (MANE Select); coding-DNA position 1393, G replaced by A.
Protein change: p.Ala465Thr; replaces alanine 465 with threonine.
Molecular consequence: missense variant.
Genome position (GRCh38, 1-based): chr1:236,744,763, G>A. VCF-style: chr1-236744763-G-A. GRCh37 (hg19) VCF-style: chr1-236908063-G-A.
Other names: c.1393G>A, p.Ala465Thr (NM_001278343.2); c.769G>A, p.Ala257Thr (NM_001278344.2); short protein forms A257T, A465T.
Identifiers: ClinVar variation 1030141 (VCV001030141.11), dbSNP rs371434667, ClinGen allele CA1473138.

ClinVar aggregate classification (germline): Conflicting classifications of pathogenicity. Review status: criteria provided, conflicting classifications (1 of 4 stars). 4 submissions from 4 submitters: Uncertain significance (3); Likely benign (1). Last evaluated 2026-01-24.

Conditions:
Primary familial hypertrophic cardiomyopathy (HCM). Identifiers: Orphanet 99739, MedGen C0949658, MeSH D024741, MONDO:0024573. Inheritance: Various modes of inheritance.
Dilated cardiomyopathy 1AA (CMD1AA). Also called: CARDIOMYOPATHY, DILATED, 1AA, WITH OR WITHOUT LEFT VENTRICULAR NONCOMPACTION; CARDIOMYOPATHY, FAMILIAL HYPERTROPHIC, 23, WITH OR WITHOUT LEFT VENTRICULAR NONCOMPACTION; Cardiomyopathy, dilated, 1AA, with or without LVNC. Identifiers: Orphanet 154, MedGen C2677338, MONDO:0012808, OMIM 612158.
Cardiovascular phenotype. Identifiers: MedGen CN230736.

Allele frequency attached by ClinVar (database versions not stated): gnomAD exomes below 0.00001; gnomAD 0.00001 and 0.00002; ExAC 0.00002; TOPMed 0.00002; ESP Exome Variant Server 0.00008.
gnomAD v4.1: 9 of 1,614,118 alleles (0.00056%); highest among the groups gnomAD compares: Middle Eastern, 0.016%; no homozygotes.

Submissions (4):

Labcorp Genetics (formerly Invitae), Labcorp
Classification: Likely benign for Primary familial hypertrophic cardiomyopathy; Dilated cardiomyopathy 1AA. Last evaluated: 2026-01-24. Review status: criteria provided, single submitter. Criteria: Invitae Variant Classification Sherloc (09022015). Collection method: clinical testing. Allele origin: germline.

GeneDx
Classification: Uncertain significance. Last evaluated: 2024-04-11. Review status: criteria provided, single submitter. Criteria: GeneDx Variant Classification Process June 2021. Collection method: clinical testing. Allele origin: germline. Affected: yes.
Comment: Not observed at significant frequency in large population cohorts (gnomAD); In silico analysis supports that this missense variant has a deleterious effect on protein structure/function; Has not been previously published as pathogenic or benign to our knowledge

Ambry Genetics
Classification: Uncertain significance for Cardiovascular phenotype. Last evaluated: 2024-04-07. Review status: criteria provided, single submitter. Criteria: Ambry Variant Classification Scheme 2023. Collection method: clinical testing. Allele origin: germline.
Comment: The p.A465T variant (also known as c.1393G>A), located in coding exon 12 of the ACTN2 gene, results from a G to A substitution at nucleotide position 1393. The alanine at codon 465 is replaced by threonine, an amino acid with similar properties. This amino acid position is conserved. In addition, this alteration is predicted to be deleterious by in silico analysis. Based on the available evidence, the clinical significance of this variant remains unclear.

Baylor Genetics
Classification: Uncertain significance for Dilated cardiomyopathy 1AA. Last evaluated: 2019-03-27. Review status: criteria provided, single submitter. Criteria: ACMG Guidelines, 2015. Collection method: clinical testing. Allele origin: maternal. Affected: yes.
Comment: This variant was determined to be of uncertain significance according to ACMG Guidelines, 2015 [PMID:25741868].